The following is an entry in ClinVar:

NC_000011.9:g.(?_61197619)_(61213543_?)dup

Gene: SDHAF2 (succinate dehydrogenase complex assembly factor 2; plus strand). Cytogenetic location: 11q12.2.
Variant type: Duplication.
Identifiers: ClinVar variation 1023706 (VCV001023706.6).

ClinVar aggregate classification (germline): Uncertain significance (1 of 4 stars; one submission).

Conditions:
Hereditary pheochromocytoma and paraganglioma. Also called: Hereditary pheochromocytoma-paraganglioma; Hereditary Paraganglioma-Pheochromocytoma Syndromes; Hereditary paragangliomas and pheochromocytomas. Identifiers: Orphanet 29072, MedGen C4274332, MONDO:0017366.

Submission:

Labcorp Genetics (formerly Invitae), Labcorp
Classification: Uncertain significance for Hereditary pheochromocytoma and paraganglioma. Last evaluated: 2023-12-05. Review status: criteria provided, single submitter. Criteria: Invitae Variant Classification Sherloc (09022015). Collection method: clinical testing. Allele origin: germline.
Comment: A copy number gain of the genomic region encompassing the full coding sequence of the SDHAF2 gene has been identified. The boundaries of this event are unknown as they extend beyond the assayed region for this gene and therefore may encompass additional genes. As the precise location of this event is unknown, it may be in tandem or it may be located elsewhere in the genome. This variant has not been reported in the literature in individuals affected with SDHAF2-related conditions. In summary, the available evidence is currently insufficient to determine the role of this variant in disease. Therefore, it has been classified as a Variant of Uncertain Significance.